The following is an entry in ClinVar:

NM_000817.3(GAD1):c.885G>C (p.Lys295Asn)

Gene: GAD1 (glutamate decarboxylase 1; plus strand). Cytogenetic location: 2q31.1.
Variant type: single nucleotide variant.
Coding change: c.885G>C on transcript NM_000817.3 (MANE Select); coding-DNA position 885, G replaced by C.
Protein change: p.Lys295Asn; replaces lysine 295 with asparagine.
Molecular consequence: missense variant.
Genome position (GRCh38, 1-based): chr2:170,845,723, G>C. VCF-style: chr2-170845723-G-C. GRCh37 (hg19) VCF-style: chr2-171702233-G-C.
Other names: short protein forms K295N.
Identifiers: ClinVar variation 1450658 (VCV001450658.8), dbSNP rs2105799723, ClinGen allele CA349259271.

ClinVar aggregate classification (germline): Uncertain significance (1 of 4 stars; one submission).

Conditions:
Neurodevelopmental disorder with progressive spasticity and brain white matter abnormalities. Also called: CEREBRAL PALSY, SPASTIC QUADRIPLEGIC, 1. Identifiers: Orphanet 210141, Orphanet 641353, MedGen C5436628, MONDO:0033613, OMIM 619026.

Submission:

Labcorp Genetics (formerly Invitae), Labcorp
Classification: Uncertain significance for Neurodevelopmental disorder with progressive spasticity and brain white matter abnormalities. Last evaluated: 2021-06-20. Review status: criteria provided, single submitter. Criteria: Invitae Variant Classification Sherloc (09022015). Collection method: clinical testing. Allele origin: germline.
Comment: Algorithms developed to predict the effect of missense changes on protein structure and function (SIFT, PolyPhen-2, Align-GVGD) all suggest that this variant is likely to be disruptive, but these predictions have not been confirmed by published functional studies and their clinical significance is uncertain. In summary, the available evidence is currently insufficient to determine the role of this variant in disease. Therefore, it has been classified as a Variant of Uncertain Significance. This variant has not been reported in the literature in individuals with GAD1-related conditions. This variant is not present in population databases (ExAC no frequency). This sequence change replaces lysine with asparagine at codon 295 of the GAD1 protein (p.Lys295Asn). The lysine residue is highly conserved and there is a moderate physicochemical difference between lysine and asparagine.